The following is an entry in ClinVar:

ClinVar aggregate classification (germline): Uncertain significance (1 of 4 stars; one submission).

Submission:

GeneDx
Classification: Uncertain significance. Last evaluated: 2016-05-12. Review status: criteria provided, single submitter. Criteria: GeneDx Variant Classification (06012015). Collection method: clinical testing. Allele origin: germline. Affected: yes.
Comment: The c.794_808del15 variant in the SUFU gene has not been reported previously as a pathogenic variant nor as a benign polymorphism, to our knowledge. The c.794_808del15 variant was not observed in approximately 6500 individuals of European and African American ancestry in the NHLBI Exome Sequencing Project, indicating it is not a common benign variant in these populations. The c.794_808del15 variant causes an in-frame deletion of five amino acids, denoted p.Asn265_Val269del, within a region that is conserved across species. Based on review of the data in the context of the 2015 ACMG standards and guidelines for the interpretation of sequence variants (Richards et al., 2015), we now interpret c.794_808del15 as a variant of uncertain significance, which may be related to the reported family history of medulloblastoma.

NM_016169.4(SUFU):c.794_808del (p.Asn265_Val269del)

Gene: SUFU (SUFU negative regulator of hedgehog signaling; plus strand). Cytogenetic location: 10q24.32.
Variant type: Deletion.
Coding change: c.794_808del on transcript NM_016169.4 (MANE Select); coding-DNA positions 794 to 808, 15 bases deleted (ACCTGAGTGGTGTCA).
Protein change: p.Asn265_Val269del.
Molecular consequence: inframe deletion.
Genome position (GRCh38, 1-based): chr10:102,597,177-102,597,191, ACCTGAGTGGTGTCA deleted; deleting any 15 consecutive bases within chr10:102,597,175-102,597,191 gives the same sequence; the c. name uses the placement nearest the transcript's 3' end. VCF-style (leftmost placement, unchanged base first): chr10-102597174-CCAACCTGAGTGGTGT-C. GRCh37 (hg19) VCF-style: chr10-104356931-CCAACCTGAGTGGTGT-C.
Other names: c.794_808del, p.Asn265_Val269del (NM_001178133.2); c.794_808delACCTGAGTGGTGTCA (NM_016169.3).
Identifiers: ClinVar variation 372525 (VCV000372525.2), dbSNP rs1057517832, ClinGen allele CA16042787.